The following is an entry in ClinVar:

NM_152594.3(SPRED1):c.353G>A (p.Arg118Lys)

Gene: SPRED1 (sprouty related EVH1 domain containing 1; plus strand). Cytogenetic location: 15q14.
Variant type: single nucleotide variant.
Coding change: c.353G>A on transcript NM_152594.3 (MANE Select); coding-DNA position 353, G replaced by A.
Protein change: p.Arg118Lys; replaces arginine 118 with lysine.
Molecular consequence: missense variant.
Genome position (GRCh38, 1-based): chr15:38,322,386, G>A. VCF-style: chr15-38322386-G-A. GRCh37 (hg19) VCF-style: chr15-38614587-G-A.
Other names: short protein forms R118K.
Identifiers: ClinVar variation 918167 (VCV000918167.9), dbSNP rs373381933, ClinGen allele CA7470041.

ClinVar aggregate classification (germline): Uncertain significance. Review status: criteria provided, multiple submitters, no conflicts (2 of 4 stars). 3 submissions from 3 submitters: Uncertain significance (3). Last evaluated 2025-12-17.

Conditions:
Cardiovascular phenotype. Identifiers: MedGen CN230736.
Legius syndrome. Identifiers: Orphanet 137605, MedGen C1969623, MONDO:0012669, OMIM 611431. Disease mechanism: loss of function.

Allele frequency attached by ClinVar (database versions not stated): gnomAD exomes 0.00001; ExAC 0.00002; ESP Exome Variant Server 0.00008; TOPMed 0.00009.
gnomAD v4.1: 14 of 1,613,634 alleles (0.00087%); highest among the groups gnomAD compares: African/African-American, 0.017%; no homozygotes.

Submissions (3):

Labcorp Genetics (formerly Invitae), Labcorp
Classification: Uncertain significance for Legius syndrome. Last evaluated: 2025-12-17. Review status: criteria provided, single submitter. Criteria: Invitae Variant Classification Sherloc (09022015). Collection method: clinical testing. Allele origin: germline.
Comment: This sequence change replaces arginine, which is basic and polar, with lysine, which is basic and polar, at codon 118 of the SPRED1 protein (p.Arg118Lys). This variant is present in population databases (rs373381933, gnomAD 0.02%). This variant has not been reported in the literature in individuals affected with SPRED1-related conditions. ClinVar contains an entry for this variant (Variation ID: 918167). Invitae Evidence Modeling of protein sequence and biophysical properties (such as structural, functional, and spatial information, amino acid conservation, physicochemical variation, residue mobility, and thermodynamic stability) indicates that this missense variant is not expected to disrupt SPRED1 protein function with a negative predictive value of 80%. In summary, the available evidence is currently insufficient to determine the role of this variant in disease. Therefore, it has been classified as a Variant of Uncertain Significance.

Ambry Genetics
Classification: Uncertain significance for Cardiovascular phenotype. Last evaluated: 2021-07-08. Review status: criteria provided, single submitter. Criteria: Ambry Variant Classification Scheme 2023. Collection method: clinical testing. Allele origin: germline.
Comment: The p.R118K variant (also known as c.353G>A), located in coding exon 3 of the SPRED1 gene, results from a G to A substitution at nucleotide position 353. The arginine at codon 118 is replaced by lysine, an amino acid with highly similar properties. This amino acid position is conserved. In addition, this alteration is predicted to be tolerated by in silico analysis. Since supporting evidence is limited at this time, the clinical significance of this alteration remains unclear.

Women's Health and Genetics/Laboratory Corporation of America, LabCorp
Classification: Uncertain significance. Last evaluated: 2020-03-03. Review status: criteria provided, single submitter. Criteria: LabCorp Variant Classification Summary - May 2015. Collection method: clinical testing. Allele origin: germline.
Comment: Variant summary: SPRED1 c.353G>A (p.Arg118Lys) results in a conservative amino acid change located in the WH1/EVH1 domain (IPR000697) and SPRE, EVH1 domain (IPR041937) of the encoded protein sequence. Three of five in-silico tools predict a benign effect of the variant on protein function. The variant allele was found at a frequency of 8e-06 in 250964 control chromosomes (gnomAD v2). Furthermore, the variant allele was found at a frequency of 0.00006983 in 143200 control chromosomes, predominantly at a frequency of 0.0002381 (10 individuals) within the African or African-American subpopulation in the gnomAD (v3) database. This variant frequency is approximately 95 fold of the estimated maximal expected allele frequency for a pathogenic variant in SPRED1 causing Noonan Syndrome and Related Conditions phenotype (2.5e-06), suggesting the variant may be a benign polymorphism found primarily in populations of African or African-American origin. To our knowledge, no occurrence of c.353G>A in individuals affected with Noonan Syndrome and Related Conditions and no experimental evidence demonstrating its impact on protein function have been reported. No clinical diagnostic laboratories have submitted clinical-significance assessments for this variant to ClinVar after 2014. Based on the evidence outlined above, the variant was classified as VUS-possibly benign.